The following is an entry in ClinVar:

ClinVar aggregate classification (germline): Uncertain significance (1 of 4 stars; one submission).

Conditions:
Pick disease. Also called: PICK DISEASE OF BRAIN; DEMENTIA WITH LOBAR ATROPHY AND NEURONAL CYTOPLASMIC INCLUSIONS; LOBAR ATROPHY OF BRAIN; Pick's disease; Pick Disease of the Brain. Identifiers: Orphanet 282, MedGen C0236642, MONDO:0008243, OMIM 172700.
Alzheimer disease 3 (AD3). Also called: ALZHEIMER DISEASE, FAMILIAL, 3. Identifiers: Orphanet 1020, MedGen C1843013, MONDO:0011913, OMIM 607822.
Acne inversa, familial, 3 (ACNINV3). Identifiers: MedGen C3151038, MONDO:0013398, OMIM 613737.
Frontotemporal dementia (FTD1). Also called: FRONTOTEMPORAL LOBAR DEGENERATION WITH TAU INCLUSIONS; FTLD WITH TAU INCLUSIONS; Frontotemporal Dementia with Parkinsonism-17 (FTDP-17); FRONTOTEMPORAL DEMENTIA WITH PARKINSONISM; FRONTOTEMPORAL LOBE DEMENTIA; MULTIPLE SYSTEM TAUOPATHY WITH PRESENILE DEMENTIA. Identifiers: Orphanet 282, MedGen C0338451, MONDO:0017276, OMIM 600274, HP:0002145.

Submission:

Labcorp Genetics (formerly Invitae), Labcorp
Classification: Uncertain significance for Alzheimer disease 3; Pick disease; Acne inversa, familial, 3; Frontotemporal dementia. Last evaluated: 2025-12-09. Review status: criteria provided, single submitter. Criteria: Invitae Variant Classification Sherloc (09022015). Collection method: clinical testing. Allele origin: germline.
Comment: This sequence change replaces proline, which is neutral and non-polar, with histidine, which is basic and polar, at codon 242 of the PSEN1 protein (p.Pro242His). This variant is not present in population databases (gnomAD no frequency). This missense change has been observed in individual(s) with Alzheimer disease (PMID: 16043812). Invitae Evidence Modeling of protein sequence and biophysical properties (such as structural, functional, and spatial information, amino acid conservation, physicochemical variation, residue mobility, and thermodynamic stability) indicates that this missense variant is expected to disrupt PSEN1 protein function with a positive predictive value of 95%. In summary, the available evidence is currently insufficient to determine the role of this variant in disease. Therefore, it has been classified as a Variant of Uncertain Significance.

Literature cited by the submitters: PubMed 16043812.

NM_000021.4(PSEN1):c.725C>A (p.Pro242His)

Gene: PSEN1 (presenilin 1; plus strand). Cytogenetic location: 14q24.2.
Variant type: single nucleotide variant.
Coding change: c.725C>A on transcript NM_000021.4 (MANE Select); coding-DNA position 725, C replaced by A.
Protein change: p.Pro242His; replaces proline 242 with histidine.
Molecular consequence: missense variant.
Genome position (GRCh38, 1-based): chr14:73,192,820, C>A. VCF-style: chr14-73192820-C-A. GRCh37 (hg19) VCF-style: chr14-73659528-C-A.
Other names: c.713C>A, p.Pro238His (NM_007318.3); short protein forms P238H, P242H.
Identifiers: ClinVar variation 4783727 (VCV004783727.1).